The following is an entry in ClinVar:

ClinVar aggregate classification (germline): Uncertain significance (1 of 4 stars; one submission).

Conditions:
SLC35A2-congenital disorder of glycosylation. Also called: SLC35A2-CDG; EPILEPTIC ENCEPHALOPATHY, EARLY INFANTILE, 22; CONGENITAL DISORDER OF GLYCOSYLATION, TYPE IIm; CDG IIm; CONGENITAL DISORDER OF GLYCOSYLATION, TYPE IIm, SOMATIC MOSAIC; DEVELOPMENTAL AND EPILEPTIC ENCEPHALOPATHY 22. Identifiers: Orphanet 356961, MedGen C3806688, MONDO:0010478, OMIM 300896.

Submission:

Labcorp Genetics (formerly Invitae), Labcorp
Classification: Uncertain significance for SLC35A2-congenital disorder of glycosylation. Last evaluated: 2023-05-27. Review status: criteria provided, single submitter. Criteria: Invitae Variant Classification Sherloc (09022015). Collection method: clinical testing. Allele origin: germline.
Comment: In summary, the available evidence is currently insufficient to determine the role of this variant in disease. Therefore, it has been classified as a Variant of Uncertain Significance. Advanced modeling of protein sequence and biophysical properties (such as structural, functional, and spatial information, amino acid conservation, physicochemical variation, residue mobility, and thermodynamic stability) has been performed at Invitae for this missense variant, however the output from this modeling did not meet the statistical confidence thresholds required to predict the impact of this variant on SLC35A2 protein function. This variant has not been reported in the literature in individuals affected with SLC35A2-related conditions. This variant is not present in population databases (gnomAD no frequency). This sequence change replaces leucine, which is neutral and non-polar, with serine, which is neutral and polar, at codon 60 of the SLC35A2 protein (p.Leu60Ser).

NM_005660.3(SLC35A2):c.179T>C (p.Leu60Ser)

Gene: SLC35A2 (solute carrier family 35 member A2; minus strand). Cytogenetic location: Xp11.23.
Variant type: single nucleotide variant.
Coding change: c.179T>C on transcript NM_005660.3 (MANE Select); coding-DNA position 179, T replaced by C.
Protein change: p.Leu60Ser; replaces leucine 60 with serine.
Molecular consequence: missense variant. On other transcripts: intron variant (1).
Genome position (GRCh38, 1-based): chrX:48,909,909, A>G on the plus strand (T>C on the coding strand, the complement: SLC35A2 is on the minus strand). VCF-style: chrX-48909909-A-G. GRCh37 (hg19) VCF-style: chrX-48767186-A-G.
Other names: c.179T>C, p.Leu60Ser (NM_001032289.3, NM_001042498.3, NM_001282647.2); c.107T>C, p.Leu36Ser (NM_001282648.2); c.218T>C, p.Leu73Ser (NM_001282650.2); c.263T>C, p.Leu88Ser (NM_001282651.2); c.91+1637T>C (NM_001282649.2); short protein forms L60S, L88S, L73S, L36S.
Identifiers: ClinVar variation 2741398 (VCV002741398.3), dbSNP rs2519660755, ClinGen allele CA412897790.